The following is an entry in ClinVar:

ClinVar aggregate classification (germline): Likely benign. Review status: reviewed by expert panel (3 of 4 stars). 4 submissions from 4 submitters: Likely benign (1). 3 of the submissions do not count toward it. Last evaluated 2017-06-29.

Conditions:
Hereditary breast ovarian cancer syndrome. Also called: Breast and ovarian cancer; Hereditary breast and ovarian cancer; Hereditary breast and ovarian cancer syndrome; Hereditary breast and/or ovarian cancer syndrome; BRCA1- and BRCA2-Associated Hereditary Breast and Ovarian Cancer; Hereditary breast and ovarian cancer syndrome (HBOC). Identifiers: Orphanet 145, MedGen C0677776, MeSH D061325, MONDO:0003582. Disease mechanism: loss of function.
Breast-ovarian cancer, familial, susceptibility to, 1 (BROVCA1). Also called: BRCA1 Hereditary Breast and Ovarian Cancer; OVARIAN CANCER, SUSCEPTIBILITY TO. Identifiers: Orphanet 145, MedGen C2676676, MONDO:0011450, OMIM 604370. Disease mechanism: loss of function.
Hereditary cancer-predisposing syndrome. Also called: Tumor predisposition; Hereditary Cancer Syndrome; Neoplastic Syndromes, Hereditary; Hereditary neoplastic syndrome. Identifiers: Orphanet 140162, MedGen C0027672, MeSH D009386, MONDO:0015356.

gnomAD v4.1: 2 of 1,614,194 alleles (0.00012%); highest among the groups gnomAD compares: Non-Finnish European, 0.00017%; no homozygotes.

Submissions (4):

Evidence-based Network for the Interpretation of Germline Mutant Alleles (ENIGMA)
Classification: Likely benign for Breast-ovarian cancer, familial, susceptibility to, 1. Last evaluated: 2017-06-29. Review status: reviewed by expert panel. Criteria: ENIGMA BRCA1/2 Classification Criteria (2017-06-29). Collection method: curation. Allele origin: germline.
Comment: Synonymous substitution variant, with low bioinformatic likelihood to result in a splicing aberration (Splicing prior probability 0.02).

Labcorp Genetics (formerly Invitae), Labcorp
Classification: Likely benign for Hereditary breast ovarian cancer syndrome. Last evaluated: 2023-08-06. Review status: criteria provided, single submitter. Criteria: Invitae Variant Classification Sherloc (09022015). Collection method: clinical testing. Allele origin: germline. Not counted in ClinVar's aggregate classification.

Color Diagnostics, LLC DBA Color Health
Classification: Likely benign for Hereditary cancer-predisposing syndrome. Last evaluated: 2019-01-02. Review status: criteria provided, single submitter. Criteria: ACMG Guidelines, 2015. Collection method: clinical testing. Allele origin: germline. Not counted in ClinVar's aggregate classification.

Ambry Genetics
Classification: Likely benign for Hereditary cancer-predisposing syndrome. Last evaluated: 2015-03-23. Review status: criteria provided, single submitter. Criteria: Ambry Variant Classification Scheme 2023. Collection method: clinical testing. Allele origin: germline. Not counted in ClinVar's aggregate classification.

NM_007294.4(BRCA1):c.4764T>A (p.Ala1588=)

Gene: BRCA1 (BRCA1 DNA repair associated; minus strand). Cytogenetic location: 17q21.31.
Variant type: single nucleotide variant.
Coding change: c.4764T>A on transcript NM_007294.4 (MANE Select); coding-DNA position 4764, T replaced by A.
Protein change: p.Ala1588=; no amino-acid change (alanine 1588 retained).
Molecular consequence: synonymous variant. On other transcripts: intron variant (1).
Genome position (GRCh38, 1-based): chr17:43,071,150, A>T on the plus strand (T>A on the coding strand, the complement: BRCA1 is on the minus strand). VCF-style: chr17-43071150-A-T. GRCh37 (hg19) VCF-style: chr17-41223167-A-T.
Other names: c.4551T>A, p.Ala1517= (NM_001407571.1, NM_001407894.1, NM_001407895.1 and 12 more transcripts); c.4830T>A, p.Ala1610= (NM_001407581.1, NM_001407582.1); c.4827T>A, p.Ala1609= (NM_001407583.1, NM_001407585.1, NM_001407587.1 and 1 more transcripts); c.4824T>A, p.Ala1608= (NM_001407590.1, NM_001407591.1); c.4764T>A, p.Ala1588= (NM_001407593.1, NM_001407594.1, NM_001407596.1 and 8 more transcripts); c.4761T>A, p.Ala1587= (NM_001407610.1, NM_001407611.1, NM_001407612.1 and 17 more transcripts); c.4758T>A, p.Ala1586= (NM_001407627.1, NM_001407628.1, NM_001407629.1 and 14 more transcripts); c.4755T>A, p.Ala1585= (NM_001407644.1, NM_001407645.1); and 71 more.
Identifiers: ClinVar variation 231038 (VCV000231038.18), dbSNP rs753651115, ClinGen allele CA10580509.
Genomic context (GRCh38, chr17:43,071,150, plus strand): 5'-TGCAACTTTCAATTGGGGAACTTTCAATGCAGAGGTTGAAGATGGTATGTTGCCAACACG[A>T]GCTGACTCTGGGGCTCTGTCTTCAGAAGGATCAGATTCAGGGTCATCAGAGAAGAGGCTG-3'
Protein context (NP_009225.1, residues 1578-1598): DPSEDRAPES[Ala1588=]RVGNIPSSTS